The following is an entry in ClinVar:

NM_016628.5(WAC):c.1367G>A (p.Ser456Asn)

Gene: WAC (WW domain containing adaptor with coiled-coil; plus strand). Cytogenetic location: 10p12.1.
Variant type: single nucleotide variant.
Coding change: c.1367G>A on transcript NM_016628.5 (MANE Select); coding-DNA position 1367, G replaced by A.
Protein change: p.Ser456Asn; replaces serine 456 with asparagine.
Molecular consequence: missense variant.
Genome position (GRCh38, 1-based): chr10:28,611,852, G>A. VCF-style: chr10-28611852-G-A. GRCh37 (hg19) VCF-style: chr10-28900781-G-A.
Other names: c.1232G>A, p.Ser411Asn (NM_100264.3); c.1058G>A, p.Ser353Asn (NM_100486.4); short protein forms S353N, S411N, S456N.
Identifiers: ClinVar variation 5020493 (VCV005020493.1).

ClinVar aggregate classification (germline): Uncertain significance (1 of 4 stars; one submission).

Submission:

Dasa
Classification: Uncertain significance. Last evaluated: 2026-05-25. Review status: criteria provided, single submitter. Criteria: DASA Assertion Criteria. Collection method: clinical testing. Allele origin: germline.
Comment: NM_016628.5(WAC):c.1367G>A (p.Ser456Asn) is a missense variant that results in the substitution of serine with asparagine. This variant is rare in population databases. The currently available literature and clinical evidence are not sufficient to establish a definitive association between this variant and the reported condition. Therefore, this variant is classified as a variant of uncertain significance.